The following is an entry in ClinVar:

ClinVar aggregate classification (germline): Likely benign (1 of 4 stars; one submission).

Allele frequency attached by ClinVar (database versions not stated): 1000 Genomes Project 30x 0.00234; 1000 Genomes Project 0.00260; gnomAD 0.00387; ESP Exome Variant Server 0.00411; TOPMed 0.00435; gnomAD exomes 0.00512; ExAC 0.00590.
gnomAD v4.1: 8,193 of 1,613,690 alleles (0.51%); highest among the groups gnomAD compares: Middle Eastern, 1.6%; 42 homozygotes.

Submission:

CeGaT Center for Human Genetics Tuebingen
Classification: Likely benign. Last evaluated: 2023-04-01. Review status: criteria provided, single submitter. Criteria: CeGaT Center For Human Genetics Tuebingen Variant Classification Criteria Version 2. Collection method: clinical testing. Allele origin: germline. Affected: yes. Observed: 6 variant alleles.
Comment: SPTBN5: BP4, BP7, BS2

NM_016642.4(SPTBN5):c.4377A>G (p.Lys1459=)

Gene: SPTBN5 (spectrin beta, non-erythrocytic 5; minus strand). Cytogenetic location: 15q15.1.
Variant type: single nucleotide variant.
Coding change: c.4377A>G on transcript NM_016642.4 (MANE Select); coding-DNA position 4377, A replaced by G.
Protein change: p.Lys1459=; no amino-acid change (lysine 1459 retained).
Molecular consequence: synonymous variant.
Genome position (GRCh38, 1-based): chr15:41,874,967, T>C on the plus strand (A>G on the coding strand, the complement: SPTBN5 is on the minus strand). VCF-style: chr15-41874967-T-C. GRCh37 (hg19) VCF-style: chr15-42167165-T-C.
Identifiers: ClinVar variation 2645223 (VCV002645223.24), dbSNP rs111958620, ClinGen allele CA7503276.